The following is an entry in ClinVar:

ClinVar aggregate classification (germline): Uncertain significance (1 of 4 stars; one submission).

Conditions:
Ullrich congenital muscular dystrophy 2 (UCMD2). Identifiers: Orphanet 75840, MedGen C4225314, MONDO:0014654, OMIM 616470.
Bethlem myopathy 2 (BTHLM2). Identifiers: Orphanet 536516, Orphanet 610, MedGen C4225313, MONDO:0034022, OMIM 616471.

gnomAD v4.1: 1 of 1,613,606 alleles (0.000062%); highest among the groups gnomAD compares: Non-Finnish European, 0.000085%; no homozygotes.

Submission:

Labcorp Genetics (formerly Invitae), Labcorp
Classification: Uncertain significance for Bethlem myopathy 2; Ullrich congenital muscular dystrophy 2. Last evaluated: 2024-08-12. Review status: criteria provided, single submitter. Criteria: Invitae Variant Classification Sherloc (09022015). Collection method: clinical testing. Allele origin: germline.
Comment: This sequence change replaces valine, which is neutral and non-polar, with isoleucine, which is neutral and non-polar, at codon 2463 of the COL12A1 protein (p.Val2463Ile). This variant is not present in population databases (gnomAD no frequency). This variant has not been reported in the literature in individuals affected with COL12A1-related conditions. Advanced modeling of protein sequence and biophysical properties (such as structural, functional, and spatial information, amino acid conservation, physicochemical variation, residue mobility, and thermodynamic stability) performed at Invitae indicates that this missense variant is not expected to disrupt COL12A1 protein function with a negative predictive value of 80%. In summary, the available evidence is currently insufficient to determine the role of this variant in disease. Therefore, it has been classified as a Variant of Uncertain Significance.

NM_004370.6(COL12A1):c.7387G>A (p.Val2463Ile)

Gene: COL12A1 (collagen type XII alpha 1 chain; minus strand). Cytogenetic location: 6q13.
Variant type: single nucleotide variant.
Coding change: c.7387G>A on transcript NM_004370.6 (MANE Select); coding-DNA position 7387, G replaced by A.
Protein change: p.Val2463Ile; replaces valine 2463 with isoleucine.
Molecular consequence: missense variant.
Genome position (GRCh38, 1-based): chr6:75,117,514, C>T on the plus strand (G>A on the coding strand, the complement: COL12A1 is on the minus strand). VCF-style: chr6-75117514-C-T. GRCh37 (hg19) VCF-style: chr6-75827230-C-T.
Other names: c.7387G>A, p.Val2463Ile (NM_001424113.1); c.7366G>A, p.Val2456Ile (NM_001424114.1); c.7114G>A, p.Val2372Ile (NM_001424115.1); c.3895G>A, p.Val1299Ile (NM_001424116.1, NM_080645.3); short protein forms V1299I, V2372I, V2456I, V2463I.
Identifiers: ClinVar variation 3761615 (VCV003761615.2).